The following is an entry in ClinVar:

NM_000268.4(NF2):c.361C>T (p.Gln121Ter)

Gene: NF2 (NF2, moesin-ezrin-radixin like (MERLIN) tumor suppressor; plus strand). Cytogenetic location: 22q12.2.
Variant type: single nucleotide variant.
Coding change: c.361C>T on transcript NM_000268.4 (MANE Select); coding-DNA position 361, C replaced by T.
Protein change: p.Gln121Ter; replaces glutamine 121 with a stop codon.
Molecular consequence: nonsense. On other transcripts: 5 prime UTR variant (1), intron variant (8).
Genome position (GRCh38, 1-based): chr22:29,639,210, C>T. VCF-style: chr22-29639210-C-T. GRCh37 (hg19) VCF-style: chr22-30035199-C-T.
Other names: c.247C>T, p.Gln83Ter (NM_001407053.1, NM_001407056.1); c.235C>T, p.Gln79Ter (NM_001407055.1, NM_181828.3); c.361C>T, p.Gln121Ter (NM_001407057.1, NM_001407059.1, NM_001407060.1 and 5 more transcripts); c.-280C>T (NM_001407065.1); c.130C>T, p.Gln44Ter (NM_001407067.1); c.240+2334C>T (NM_001407058.1, NM_181829.3, NM_001407054.1 and 1 more transcripts); c.115-2992C>T (NM_001407063.1, NM_181830.3, NM_001407064.1 and 1 more transcripts); short protein forms Q79*, Q83*, Q44*, Q121*.
Identifiers: ClinVar variation 2737027 (VCV002737027.3), dbSNP rs1006294051, ClinGen allele CA411153397.

ClinVar aggregate classification (germline): Pathogenic (1 of 4 stars; one submission).

Conditions:
Neurofibromatosis, type 2 (SWNV). Also called: SCHWANNOMATOSIS, VESTIBULAR; BILATERAL ACOUSTIC NEUROFIBROMATOSIS; NF2-Related Schwannomatosis. Identifiers: Orphanet 637, MedGen C0027832, MONDO:0007039, OMIM 101000. Disease mechanism: loss of function.

Submission:

Labcorp Genetics (formerly Invitae), Labcorp
Classification: Pathogenic for Neurofibromatosis, type 2. Last evaluated: 2023-12-05. Review status: criteria provided, single submitter. Criteria: Invitae Variant Classification Sherloc (09022015). Collection method: clinical testing. Allele origin: germline.
Comment: This sequence change creates a premature translational stop signal (p.Gln121*) in the NF2 gene. It is expected to result in an absent or disrupted protein product. Loss-of-function variants in NF2 are known to be pathogenic (PMID: 9643284, 16983642). This variant is not present in population databases (gnomAD no frequency). This premature translational stop signal has been observed in individual(s) with NF2-related conditions (PMID: 33067351). Algorithms developed to predict the effect of sequence changes on RNA splicing suggest that this variant may disrupt the consensus splice site. For these reasons, this variant has been classified as Pathogenic.

Literature cited by the submitters: PubMed 9643284; PubMed 16983642; PubMed 33067351.